The following is an entry in ClinVar:

NM_000059.4(BRCA2):c.8360G>C (p.Arg2787Pro)

Gene: BRCA2 (BRCA2 DNA repair associated; plus strand). Cytogenetic location: 13q13.1.
Variant type: single nucleotide variant.
Coding change: c.8360G>C on transcript NM_000059.4 (MANE Select); coding-DNA position 8360, G replaced by C.
Protein change: p.Arg2787Pro; replaces arginine 2787 with proline.
Molecular consequence: missense variant.
Genome position (GRCh38, 1-based): chr13:32,370,430, G>C. VCF-style: chr13-32370430-G-C. GRCh37 (hg19) VCF-style: chr13-32944567-G-C.
Other names: c.8264G>C, p.Arg2755Pro (NM_001406719.1); c.8360G>C, p.Arg2787Pro (NM_001406720.1); c.3428G>C, p.Arg1143Pro (NM_001406721.1); c.1943G>C, p.Arg648Pro (NM_001406722.1); short protein forms R1143P, R2755P, R2787P, R648P.
Identifiers: ClinVar variation 1718896 (VCV001718896.6), dbSNP rs80359078, ClinGen allele CA387752412.

ClinVar aggregate classification (germline): Uncertain significance (1 of 4 stars; one submission).

Conditions:
Hereditary breast ovarian cancer syndrome. Also called: BRCA1- and BRCA2-Associated Hereditary Breast and Ovarian Cancer; Hereditary breast and ovarian cancer syndrome (HBOC); Hereditary breast and/or ovarian cancer syndrome; Hereditary breast and ovarian cancer syndrome; Hereditary breast and ovarian cancer; Breast and ovarian cancer. Identifiers: Orphanet 145, MedGen C0677776, MeSH D061325, MONDO:0003582. Disease mechanism: loss of function.

Submission:

Labcorp Genetics (formerly Invitae), Labcorp
Classification: Uncertain significance for Hereditary breast ovarian cancer syndrome. Last evaluated: 2022-09-06. Review status: criteria provided, single submitter. Criteria: Invitae Variant Classification Sherloc (09022015). Collection method: clinical testing. Allele origin: germline.
Comment: This sequence change replaces arginine, which is basic and polar, with proline, which is neutral and non-polar, at codon 2787 of the BRCA2 protein (p.Arg2787Pro). This variant is not present in population databases (gnomAD no frequency). This variant has not been reported in the literature in individuals affected with BRCA2-related conditions. Advanced modeling of protein sequence and biophysical properties (such as structural, functional, and spatial information, amino acid conservation, physicochemical variation, residue mobility, and thermodynamic stability) performed at Invitae indicates that this missense variant is not expected to disrupt BRCA2 protein function. In summary, the available evidence is currently insufficient to determine the role of this variant in disease. Therefore, it has been classified as a Variant of Uncertain Significance.